The following is an entry in ClinVar:

ClinVar aggregate classification (germline): Likely pathogenic. Review status: reviewed by expert panel (3 of 4 stars). 4 submissions from 4 submitters: Likely pathogenic (1). 3 of the submissions do not count toward it. Last evaluated 2024-09-09.

Conditions:
Actin accumulation myopathy (CMYO2A). Also called: Nemaline myopathy type 3; Myopathy, actin, congenital, with excess of thin myofilaments; Myopathy, actin, congenital, with cores; Nemaline myopathy 3, with intranuclear rods; CONGENITAL MYOPATHY 2A, TYPICAL, AUTOSOMAL DOMINANT. Identifiers: Orphanet 98904, MedGen C3711389, MONDO:0008070, OMIM 161800.
Alpha-actinopathy. Also called: Actinopathy. Identifiers: MedGen CN295279, MONDO:0100084.
Myopathy. Identifiers: MedGen C0026848, MeSH D009135, MONDO:0005336, HP:0003198.

Submissions (4):

ClinGen Congenital Myopathies Variant Curation Expert Panel, ClinGen
Classification: Likely pathogenic for Alpha-actinopathy. Last evaluated: 2024-09-09. Review status: reviewed by expert panel. Criteria: ClinGen CongenMyopathy ACMG Specifications ACTA1_AD_ V2.0.0. Collection method: curation. Allele origin: germline. Inheritance: Autosomal dominant inheritance.
Comment: The c.304G>A (NM_001100.4(ACTA1):c.304G>A (p.Glu102Lys)) variant in ACTA1 is a missense variant predicted to cause substitution of glutamate by lysine at amino acid 102 (p.Glu102Lys). This variant is absent from gnomAD v4.1.0 (PM2_Supporting). ACTA1, in which the variant was identified, is defined by the ClinGen Congenital Myopathies VCEP as a gene that has a low rate of benign missense variation and where pathogenic missense variants are a common mechanism of disease (PP2). The computational predictor REVEL gives a score of 0.854, which is above the threshold of 0.7, evidence that correlates with impact to ACTA1 function (PP3). This variant has been reported in 4 probands with alpha-actinopathy (PS4_Moderate; SCV000511956, SCV003347757; Invitae & GeneDx Internal Data). At least one patient with this variant displayed muscle biopsy with fiber type disproportion, which is highly specific for alpha-actinopathy (PP4_Moderate; SCV003347757, Invitae internal data). The variant has been reported to segregate with alpha-actinopathy in one affected daughter (PP1; SCV003347757, Invitae internal data). In summary, this variant meets the criteria to be classified as likely pathogenic for autosomal dominant alpha-actinopathy based on the ACMG/AMP criteria applied, as specified by the ClinGen Congenital Myopathies VCEP: PM2_supporting, PP2, PP3, PS4_Moderate, PP4_Moderate, PP1 (ClinGen Congenital Myopathies VCEP Specifications Version 2.0, 9/9/2024).

Clinical Genetics Laboratory, Skane University Hospital Lund
Classification: Likely pathogenic for Myopathy. Last evaluated: 2026-02-16. Review status: criteria provided, single submitter. Criteria: ACMG Guidelines, 2015. Collection method: clinical testing. Allele origin: germline. Inheritance: Autosomal dominant inheritance. Affected: yes. Not counted in ClinVar's aggregate classification.
Comment: Classified as Likely pathogenic by the ClinGen Congenital Myopathies Variant Curation Expert Panel.

Labcorp Genetics (formerly Invitae), Labcorp
Classification: Likely pathogenic for Actin accumulation myopathy. Last evaluated: 2022-11-16. Review status: criteria provided, single submitter. Criteria: Invitae Variant Classification Sherloc (09022015). Collection method: clinical testing. Allele origin: germline. Not counted in ClinVar's aggregate classification.
Comment: In summary, the currently available evidence indicates that the variant is pathogenic, but additional data are needed to prove that conclusively. Therefore, this variant has been classified as Likely Pathogenic. Advanced modeling of protein sequence and biophysical properties (such as structural, functional, and spatial information, amino acid conservation, physicochemical variation, residue mobility, and thermodynamic stability) performed at Invitae indicates that this missense variant is not expected to disrupt ACTA1 protein function. ClinVar contains an entry for this variant (Variation ID: 377433). This missense change has been observed in individuals with clinical features of autosomal dominant ACTA1-related conditions (Invitae). This variant is not present in population databases (gnomAD no frequency). This sequence change replaces glutamic acid, which is acidic and polar, with lysine, which is basic and polar, at codon 102 of the ACTA1 protein (p.Glu102Lys).

GeneDx
Classification: Uncertain significance. Last evaluated: 2016-12-22. Review status: criteria provided, single submitter. Criteria: GeneDx Variant Classification (06012015). Collection method: clinical testing. Allele origin: germline. Affected: yes. Not counted in ClinVar's aggregate classification.
Comment: The E102K variant has not been published as a pathogenic variant, nor has it been reported as a benign variant to our knowledge. The E102K variant is not observed in large population cohorts (Lek et al., 2016; 1000 Genomes Consortium et al., 2015; Exome Variant Server). This variant is a non-conservative amino acid substitution, which is likely to impact secondary protein structure as these residues differ in polarity, charge, size and/or other properties. This substitution occurs at a position that is conserved across species, and in silico analysis predicts this variant is probably damaging to the protein structure/function. However, missense variants in nearby residues have not been reported in the Human Gene Mutation Database in association with nemaline myopathy (Stenson et al., 2014).

NM_001100.4(ACTA1):c.304G>A (p.Glu102Lys)

Gene: ACTA1 (actin alpha 1, skeletal muscle; minus strand). Cytogenetic location: 1q42.13.
Variant type: single nucleotide variant.
Coding change: c.304G>A on transcript NM_001100.4 (MANE Select); coding-DNA position 304, G replaced by A.
Protein change: p.Glu102Lys; replaces glutamic acid 102 with lysine.
Molecular consequence: missense variant.
Genome position (GRCh38, 1-based): chr1:229,432,706, C>T on the plus strand (G>A on the coding strand, the complement: ACTA1 is on the minus strand). VCF-style: chr1-229432706-C-T. GRCh37 (hg19) VCF-style: chr1-229568453-C-T.
Other names: NM_001100.4(ACTA1):c.304G>A; p.Glu102Lys; short protein forms E102K.
Identifiers: ClinVar variation 377433 (VCV000377433.8), dbSNP rs1057520216, ClinGen allele CA16603574.
Genomic context (GRCh38, chr1:229,432,706, plus strand): 5'-TCATCTTCTCGCGGTTGGCCTTGGGATTGAGGGGGGCCTCGGTGAGCAGGGTGGGGTGCT[C>T]CTCGGGAGCCACGCGAAGCTCGTTGTAGAAGGTGTGGTGCCAGATCTTCTCCATGTCATC-3'
Protein context (NP_001091.1, residues 92-112): FYNELRVAPE[Glu102Lys]HPTLLTEAPL